The following is an entry in ClinVar:

NM_004525.3(LRP2):c.4766G>A (p.Arg1589His)

Gene: LRP2 (LDL receptor related protein 2; minus strand). Cytogenetic location: 2q31.1.
Variant type: single nucleotide variant.
Coding change: c.4766G>A on transcript NM_004525.3 (MANE Select); coding-DNA position 4766, G replaced by A.
Protein change: p.Arg1589His; replaces arginine 1589 with histidine.
Molecular consequence: missense variant.
Genome position (GRCh38, 1-based): chr2:169,235,994, C>T on the plus strand (G>A on the coding strand, the complement: LRP2 is on the minus strand). VCF-style: chr2-169235994-C-T. GRCh37 (hg19) VCF-style: chr2-170092504-C-T.
Other names: short protein forms R1589H.
Identifiers: ClinVar variation 129525 (VCV000129525.14), dbSNP rs587780385, ClinGen allele CA231254.
Genomic context (GRCh38, chr2:169,235,994, plus strand): 5'-TTGGGGTAGTCAATAGTTAAGCCGCAGGGCCAGAAGATCTTGTCCTGGACAATGACAGTG[C>T]GCATGCTGCCGTCCATGCTGGCTCGCTCGATGCGAGGGTGGTGGCCCCAGTCAGACCAGA-3'
Protein context (NP_004516.2, residues 1579-1599): IERASMDGSM[Arg1589His]TVIVQDKIFW

ClinVar aggregate classification (germline): Uncertain significance. Review status: criteria provided, multiple submitters, no conflicts (2 of 4 stars). 5 submissions from 5 submitters: Uncertain significance (5). Last evaluated 2024-02-29.

Conditions:
Donnai-Barrow syndrome. Also called: DBS/FOAR SYNDROME; FACIOOCULOACOUSTICORENAL SYNDROME. Identifiers: Orphanet 2143, MedGen C1857277, MONDO:0009104, OMIM 222448.

Allele frequency attached by ClinVar (database versions not stated): TOPMed 0.00004; 1000 Genomes Project 30x 0.00016.
gnomAD v4.1: 63 of 1,614,180 alleles (0.0039%); highest among the groups gnomAD compares: African/African-American, 0.0067%; no homozygotes.

Submissions (5):

Fulgent Genetics
Classification: Uncertain significance for Donnai-Barrow syndrome. Last evaluated: 2024-02-29. Review status: criteria provided, single submitter. Criteria: ACMG Guidelines, 2015. Collection method: clinical testing. Allele origin: germline.

Labcorp Genetics (formerly Invitae), Labcorp
Classification: Uncertain significance. Last evaluated: 2022-07-06. Review status: criteria provided, single submitter. Criteria: Invitae Variant Classification Sherloc (09022015). Collection method: clinical testing. Allele origin: germline.
Comment: This sequence change replaces arginine, which is basic and polar, with histidine, which is basic and polar, at codon 1589 of the LRP2 protein (p.Arg1589His). This variant is present in population databases (rs587780385, gnomAD 0.01%). This variant has not been reported in the literature in individuals affected with LRP2-related conditions. ClinVar contains an entry for this variant (Variation ID: 129525). Advanced modeling of protein sequence and biophysical properties (such as structural, functional, and spatial information, amino acid conservation, physicochemical variation, residue mobility, and thermodynamic stability) performed at Invitae indicates that this missense variant is expected to disrupt LRP2 protein function. In summary, the available evidence is currently insufficient to determine the role of this variant in disease. Therefore, it has been classified as a Variant of Uncertain Significance.

Genome-Nilou Lab
Classification: Uncertain significance for Donnai-Barrow syndrome. Last evaluated: 2021-07-15. Review status: criteria provided, single submitter. Criteria: ACMG Guidelines, 2015. Collection method: clinical testing. Allele origin: germline. Affected: no.

Illumina Laboratory Services, Illumina
Classification: Uncertain significance for Donnai-Barrow syndrome. Last evaluated: 2018-01-13. Review status: criteria provided, single submitter. Criteria: ICSL Variant Classification Criteria 13 December 2019. Collection method: clinical testing. Allele origin: germline.

Genetic Services Laboratory, University of Chicago
Classification: Uncertain significance. Last evaluated: 2014-02-12. Review status: criteria provided, single submitter. Criteria: ACMG Guidelines, 2007. Collection method: clinical testing. Allele origin: germline. Inheritance: Autosomal recessive inheritance.